The following is an entry in ClinVar:

NM_005458.8(GABBR2):c.121G>T (p.Gly41Cys)

Gene: GABBR2 (gamma-aminobutyric acid type B receptor subunit 2; minus strand). Cytogenetic location: 9q22.33.
Variant type: single nucleotide variant.
Coding change: c.121G>T on transcript NM_005458.8 (MANE Select); coding-DNA position 121, G replaced by T.
Protein change: p.Gly41Cys; replaces glycine 41 with cysteine.
Molecular consequence: missense variant.
Genome position (GRCh38, 1-based): chr9:98,708,617, C>A on the plus strand (G>T on the coding strand, the complement: GABBR2 is on the minus strand). VCF-style: chr9-98708617-C-A. GRCh37 (hg19) VCF-style: chr9-101470899-C-A.
Other names: short protein forms G41C.
Identifiers: ClinVar variation 1496079 (VCV001496079.9), dbSNP rs1588292057, ClinGen allele CA374212803.

ClinVar aggregate classification (germline): Uncertain significance. Review status: criteria provided, multiple submitters, no conflicts (2 of 4 stars). 2 submissions from 2 submitters: Uncertain significance (2). Last evaluated 2021-11-17.

Conditions:
Tobacco addiction, susceptibility to. Also called: CIGARETTE HABITUATION, SUSCEPTIBILITY TO. Identifiers: MedGen C1861063, MONDO:0100460, OMIM 188890.
Neurodevelopmental disorder with poor language and loss of hand skills. Identifiers: MedGen C4693546, MONDO:0060659, OMIM 617903.
Developmental and epileptic encephalopathy, 59. Also called: Early infantile epileptic encephalopathy 59. Identifiers: MedGen C4693550, MONDO:0033368, OMIM 617904.
Epileptic encephalopathy. Identifiers: MedGen C0543888, HP:0200134.

gnomAD v4.1: 1 of 1,306,408 alleles (0.000077%); no homozygotes.

Submissions (2):

Fulgent Genetics
Classification: Uncertain significance for Tobacco addiction, susceptibility to; Neurodevelopmental disorder with poor language and loss of hand skills; Developmental and epileptic encephalopathy, 59. Last evaluated: 2021-11-17. Review status: criteria provided, single submitter. Criteria: ACMG Guidelines, 2015. Collection method: clinical testing. Allele origin: unknown.

Labcorp Genetics (formerly Invitae), Labcorp
Classification: Uncertain significance for Epileptic encephalopathy. Last evaluated: 2021-02-15. Review status: criteria provided, single submitter. Criteria: Invitae Variant Classification Sherloc (09022015). Collection method: clinical testing. Allele origin: germline.
Comment: This variant has not been reported in the literature in individuals with GABBR2-related conditions. This sequence change replaces glycine with cysteine at codon 41 of the GABBR2 protein (p.Gly41Cys). The glycine residue is weakly conserved and there is a large physicochemical difference between glycine and cysteine. The frequency data for this variant in the population databases is considered unreliable, as metrics indicate insufficient coverage at this position in the ExAC database. Algorithms developed to predict the effect of missense changes on protein structure and function are either unavailable or do not agree on the potential impact of this missense change (SIFT: "Deleterious"; PolyPhen-2: "Not Available"; Align-GVGD: "Class C0"). In summary, the available evidence is currently insufficient to determine the role of this variant in disease. Therefore, it has been classified as a Variant of Uncertain Significance.